The following is an entry in ClinVar:

ClinVar aggregate classification (germline): Uncertain significance (1 of 4 stars; one submission).

Conditions:
Retinoblastoma (RB1). Also called: RETINOBLASTOMA, SOMATIC. Identifiers: Orphanet 790, MedGen C0035335, MeSH D012175, MONDO:0008380, OMIM 180200, HP:0009919. Disease mechanism: loss of function. Inheritance: Both sporadic and heritable forms are tested..

Submission:

Labcorp Genetics (formerly Invitae), Labcorp
Classification: Uncertain significance for Retinoblastoma. Last evaluated: 2023-11-15. Review status: criteria provided, single submitter. Criteria: Invitae Variant Classification Sherloc (09022015). Collection method: clinical testing. Allele origin: germline.
Comment: This sequence change replaces aspartic acid, which is acidic and polar, with glutamic acid, which is acidic and polar, at codon 32 of the RB1 protein (p.Asp32Glu). This variant is not present in population databases (gnomAD no frequency). This variant has not been reported in the literature in individuals affected with RB1-related conditions. Algorithms developed to predict the effect of missense changes on protein structure and function output the following: SIFT: "Not Available"; PolyPhen-2: "Benign"; Align-GVGD: "Not Available". The glutamic acid amino acid residue is found in multiple mammalian species, which suggests that this missense change does not adversely affect protein function. In summary, the available evidence is currently insufficient to determine the role of this variant in disease. Therefore, it has been classified as a Variant of Uncertain Significance.

NM_000321.3(RB1):c.96C>A (p.Asp32Glu)

Gene: RB1 (RB transcriptional corepressor 1; plus strand). Cytogenetic location: 13q14.2.
Variant type: single nucleotide variant.
Coding change: c.96C>A on transcript NM_000321.3 (MANE Select); coding-DNA position 96, C replaced by A.
Protein change: p.Asp32Glu; replaces aspartic acid 32 with glutamic acid.
Molecular consequence: missense variant.
Genome position (GRCh38, 1-based): chr13:48,304,008, C>A. VCF-style: chr13-48304008-C-A. GRCh37 (hg19) VCF-style: chr13-48878144-C-A.
Other names: c.96C>A, p.Asp32Glu (NM_001407165.1, NM_001407166.1, NM_001407167.1); short protein forms D32E.
Identifiers: ClinVar variation 2696064 (VCV002696064.3), dbSNP rs1952054442, ClinGen allele CA388250316.